The following is an entry in ClinVar:

NM_183235.3(RAB27A):c.209T>C (p.Leu70Pro)

Gene: RAB27A (RAB27A, member RAS oncogene family; minus strand). Cytogenetic location: 15q21.3.
Variant type: single nucleotide variant.
Coding change: c.209T>C on transcript NM_183235.3 (MANE Select); coding-DNA position 209, T replaced by C.
Protein change: p.Leu70Pro; replaces leucine 70 with proline.
Molecular consequence: missense variant.
Genome position (GRCh38, 1-based): chr15:55,230,431, A>G on the plus strand (T>C on the coding strand, the complement: RAB27A is on the minus strand). VCF-style: chr15-55230431-A-G. GRCh37 (hg19) VCF-style: chr15-55522629-A-G.
Other names: c.209T>C, p.Leu70Pro (NM_004580.5, NM_183234.3, NM_183236.3); short protein forms L70P.
Identifiers: ClinVar variation 1046764 (VCV001046764.11), dbSNP rs1371360853, ClinGen allele CA392530622.

ClinVar aggregate classification (germline): Conflicting classifications of pathogenicity. Review status: criteria provided, conflicting classifications (1 of 4 stars). 3 submissions from 3 submitters: Likely pathogenic (1); Uncertain significance (2). Last evaluated 2026-01-19.

Conditions:
RAB27A-related disorder. Also called: RAB27A-related condition.
Autoinflammatory syndrome. Identifiers: Orphanet 93665, MedGen C3890737, MONDO:0019751.
Griscelli syndrome type 2 (GS2). Also called: GRISCELLI SYNDROME WITH HEMOPHAGOCYTIC SYNDROME; PAID SYNDROME; PARTIAL ALBINISM AND IMMUNODEFICIENCY SYNDROME. Identifiers: Orphanet 381, Orphanet 79477, MedGen C1868679, MONDO:0011872, OMIM 607624.

Allele frequency attached by ClinVar (database versions not stated): gnomAD exomes below 0.00001 and 0.00001; gnomAD 0.00001; TOPMed 0.00001.

Submissions (3):

Labcorp Genetics (formerly Invitae), Labcorp
Classification: Uncertain significance for Griscelli syndrome type 2. Last evaluated: 2026-01-19. Review status: criteria provided, single submitter. Criteria: Invitae Variant Classification Sherloc (09022015). Collection method: clinical testing. Allele origin: germline.
Comment: This sequence change replaces leucine, which is neutral and non-polar, with proline, which is neutral and non-polar, at codon 70 of the RAB27A protein (p.Leu70Pro). This variant is present in population databases (no rsID available, gnomAD 0.0009%). This variant has not been reported in the literature in individuals affected with RAB27A-related conditions. ClinVar contains an entry for this variant (Variation ID: 1046764). Invitae Evidence Modeling of protein sequence and biophysical properties (such as structural, functional, and spatial information, amino acid conservation, physicochemical variation, residue mobility, and thermodynamic stability) indicates that this missense variant is expected to disrupt RAB27A protein function with a positive predictive value of 95%. In summary, the available evidence is currently insufficient to determine the role of this variant in disease. Therefore, it has been classified as a Variant of Uncertain Significance.

Blueprint Genetics
Classification: Likely pathogenic for RAB27A-related disorders. Last evaluated: 2023-11-20. Review status: criteria provided, single submitter. Criteria: ACMG Guidelines, 2015. Collection method: clinical testing. Allele origin: germline. Affected: yes. Observed: 5 variant alleles.

Genome Diagnostics Laboratory, The Hospital for Sick Children
Classification: Uncertain significance for Autoinflammatory syndrome. Last evaluated: 2018-02-01. Review status: criteria provided, single submitter. Criteria: ACMG Guidelines, 2015. Collection method: clinical testing. Allele origin: germline. Affected: yes.